The following is an entry in ClinVar:

NM_025137.4(SPG11):c.122T>G (p.Leu41Arg)

Gene: SPG11 (SPG11 vesicle trafficking associated, spatacsin; minus strand). Cytogenetic location: 15q21.1.
Variant type: single nucleotide variant.
Coding change: c.122T>G on transcript NM_025137.4 (MANE Select); coding-DNA position 122, T replaced by G.
Protein change: p.Leu41Arg; replaces leucine 41 with arginine.
Molecular consequence: missense variant.
Genome position (GRCh38, 1-based): chr15:44,663,526, A>C on the plus strand (T>G on the coding strand, the complement: SPG11 is on the minus strand). VCF-style: chr15-44663526-A-C. GRCh37 (hg19) VCF-style: chr15-44955724-A-C.
Other names: c.122T>G, p.Leu41Arg (NM_001160227.2); short protein forms L41R.
Identifiers: ClinVar variation 1385092 (VCV001385092.6), dbSNP rs1595945198, ClinGen allele CA392238737.
Genomic context (GRCh38, chr15:44,663,526, plus strand): 5'-CCCGCAGCCGTCAGGCTCCCCAGAGCCTCCGGCTGTGTGCGCAGCTGCGCCCGGGAGCCG[A>C]GCTGCCCCATCGCCTCGGCGGGGACTGGCACCAACAGCATCGGTAGAACCCGCCCCATGG-3'
Protein context (NP_079413.3, residues 31-51): VPVPAEAMGQ[Leu41Arg]GSRAQLRTQP

ClinVar aggregate classification (germline): Uncertain significance (1 of 4 stars; one submission).

Conditions:
Hereditary spastic paraplegia 11. Also called: Spastic paraplegia, mental retardation and thin corpus callosum; SPASTIC PARAPLEGIA, AUTOSOMAL RECESSIVE, COMPLICATED, WITH THIN CORPUS CALLOSUM; SPASTIC PARAPLEGIA, AUTOSOMAL RECESSIVE, WITH MENTAL IMPAIRMENT AND THIN CORPUS CALLOSUM; Nakamura Osame syndrome; Autosomal recessive hereditary spastic paraplegia, mental impairment, and thin corpus callosum; Spastic Paraplegia 11. Identifiers: Orphanet 2822, MedGen C1858479, MONDO:0011445, OMIM 604360.

Submission:

Labcorp Genetics (formerly Invitae), Labcorp
Classification: Uncertain significance for Hereditary spastic paraplegia 11. Last evaluated: 2022-06-27. Review status: criteria provided, single submitter. Criteria: Invitae Variant Classification Sherloc (09022015). Collection method: clinical testing. Allele origin: germline.
Comment: In summary, the available evidence is currently insufficient to determine the role of this variant in disease. Therefore, it has been classified as a Variant of Uncertain Significance. Algorithms developed to predict the effect of missense changes on protein structure and function are either unavailable or do not agree on the potential impact of this missense change (SIFT: "Deleterious"; PolyPhen-2: "Probably Damaging"; Align-GVGD: "Class C0"). This variant has not been reported in the literature in individuals affected with SPG11-related conditions. This variant is not present in population databases (gnomAD no frequency). This sequence change replaces leucine, which is neutral and non-polar, with arginine, which is basic and polar, at codon 41 of the SPG11 protein (p.Leu41Arg).